The following is an entry in ClinVar:

NM_006796.3(AFG3L2):c.346G>A (p.Gly116Arg)

Gene: AFG3L2 (AFG3 like matrix AAA peptidase subunit 2; minus strand). Cytogenetic location: 18p11.21.
Variant type: single nucleotide variant.
Coding change: c.346G>A on transcript NM_006796.3 (MANE Select); coding-DNA position 346, G replaced by A.
Protein change: p.Gly116Arg; replaces glycine 116 with arginine.
Molecular consequence: missense variant.
Genome position (GRCh38, 1-based): chr18:12,367,329, C>T on the plus strand (G>A on the coding strand, the complement: AFG3L2 is on the minus strand). VCF-style: chr18-12367329-C-T. GRCh37 (hg19) VCF-style: chr18-12367328-C-T.
Other names: short protein forms G116R.
Identifiers: ClinVar variation 1303169 (VCV001303169.4), dbSNP rs1178773058, ClinGen allele CA401954915.

ClinVar aggregate classification (germline): Uncertain significance. Review status: criteria provided, multiple submitters, no conflicts (2 of 4 stars). 2 submissions from 2 submitters: Uncertain significance (2). Last evaluated 2025-06-12.

Allele frequency attached by ClinVar (database versions not stated): gnomAD 0.00001.
gnomAD v4.1: 22 of 1,614,084 alleles (0.0014%); highest among the groups gnomAD compares: Middle Eastern, 0.016%; no homozygotes.

Submissions (2):

Labcorp Genetics (formerly Invitae), Labcorp
Classification: Uncertain significance. Last evaluated: 2025-06-12. Review status: criteria provided, single submitter. Criteria: Invitae Variant Classification Sherloc (09022015). Collection method: clinical testing. Allele origin: germline.
Comment: This sequence change replaces glycine, which is neutral and non-polar, with arginine, which is basic and polar, at codon 116 of the AFG3L2 protein (p.Gly116Arg). This variant is present in population databases (no rsID available, gnomAD 0.003%). This missense change has been observed in individual(s) with spinocerebellar ataxia (PMID: 25927548). ClinVar contains an entry for this variant (Variation ID: 1303169). Invitae Evidence Modeling of protein sequence and biophysical properties (such as structural, functional, and spatial information, amino acid conservation, physicochemical variation, residue mobility, and thermodynamic stability) indicates that this missense variant is not expected to disrupt AFG3L2 protein function with a negative predictive value of 95%. Experimental studies have shown that this missense change affects AFG3L2 function (PMID: 25927548). In summary, the available evidence is currently insufficient to determine the role of this variant in disease. Therefore, it has been classified as a Variant of Uncertain Significance.

GeneDx
Classification: Uncertain significance. Last evaluated: 2019-10-01. Review status: criteria provided, single submitter. Criteria: GeneDx Variant Classification Process June 2021. Collection method: clinical testing. Allele origin: germline. Affected: yes.
Comment: Not observed at a significant frequency in large population cohorts (Lek et al., 2016); Identified as heterozygous in a family with four affected siblings who underwent whole exome sequencing. Three of the siblings, with ataxia with postural/intentional myoclonus and involuntary movements, were also homozygous for a nonsense variant in the SETX gene that had been previously reported in association with ataxia with oculoapraxia type 2. The fourth sibling only had subclinical myoclonic jerks and was only heterzygous for the G116R variant leading the authors to conclude that the myoclonus observed in the affected siblings was due to the presence of the G116R variant (Mancini et al. 2015); Functional studies in yeast suggest that G116R impairs the role of AFG312 in aerobic respiration (Mancini et al. 2015); This variant is associated with the following publications: (PMID: 25927548)

Literature cited by the submitters: PubMed 25927548 (cited by Labcorp Genetics (formerly Invitae), Labcorp).